The following is an entry in ClinVar:

ClinVar aggregate classification (germline): Conflicting classifications of pathogenicity. Review status: criteria provided, conflicting classifications (1 of 4 stars). 3 submissions from 3 submitters: Uncertain significance (2); Likely benign (1). Last evaluated 2025-06-09.

Conditions:
Cardiovascular phenotype. Identifiers: MedGen CN230736.
Congenital contractural arachnodactyly (CCA). Also called: BEALS SYNDROME; Beals-Hecht syndrome; Arthrogryposis, distal, type 9. Identifiers: Orphanet 115, MedGen C0220668, MONDO:0007363, OMIM 121050.

Allele frequency attached by ClinVar (database versions not stated): gnomAD exomes below 0.00001 and 0.00001; gnomAD 0.00001 and 0.00002; ExAC 0.00002; TOPMed 0.00002; 1000 Genomes Project 30x 0.00016; 1000 Genomes Project 0.00020.
gnomAD v4.1: 10 of 1,614,040 alleles (0.00062%); highest among the groups gnomAD compares: East Asian, 0.0022%; no homozygotes.

Submissions (3):

Labcorp Genetics (formerly Invitae), Labcorp
Classification: Likely benign for Congenital contractural arachnodactyly. Last evaluated: 2025-06-09. Review status: criteria provided, single submitter. Criteria: Invitae Variant Classification Sherloc (09022015). Collection method: clinical testing. Allele origin: germline.

GeneDx
Classification: Uncertain significance. Last evaluated: 2019-04-24. Review status: criteria provided, single submitter. Criteria: GeneDx Variant Classification Process June 2021. Collection method: clinical testing. Allele origin: germline. Affected: yes.
Comment: Has not been previously published as pathogenic or benign to our knowledge; Reported in ClinVar but additional evidence is not available (ClinVar Variant ID# 263337; Landrum et al., 2016); In silico analysis, which includes protein predictors and evolutionary conservation, supports a deleterious effect; Does not affect a cysteine residue within a calcium-binding EGF-like domain of the FBN2 gene; cysteine substitutions in the calcium-binding EGF-like domains represent the majority of pathogenic missense changes associated with FBN2 related disorders (Collod-Beroud et al., 2003; Frederic et al., 2009).; Not observed at a significant frequency in large population cohorts (Lek et al., 2016)

Ambry Genetics
Classification: Uncertain significance for Cardiovascular phenotype. Last evaluated: 2014-11-21. Review status: criteria provided, single submitter. Criteria: Ambry Autosomal Dominant and X-Linked criteria (10/2015). Collection method: clinical testing. Allele origin: germline. Observed: 1 variant allele.
Comment: There is insufficient or conflicting evidence for classification of this alteration.

NM_001999.4(FBN2):c.1180C>T (p.Arg394Cys)

Gene: FBN2 (fibrillin 2; minus strand). Cytogenetic location: 5q23.3.
Variant type: single nucleotide variant.
Coding change: c.1180C>T on transcript NM_001999.4 (MANE Select); coding-DNA position 1180, C replaced by T.
Protein change: p.Arg394Cys; replaces arginine 394 with cysteine.
Molecular consequence: missense variant.
Genome position (GRCh38, 1-based): chr5:128,395,173, G>A on the plus strand (C>T on the coding strand, the complement: FBN2 is on the minus strand). VCF-style: chr5-128395173-G-A. GRCh37 (hg19) VCF-style: chr5-127730866-G-A.
Other names: short protein forms R394C.
Identifiers: ClinVar variation 263337 (VCV000263337.6), dbSNP rs563228953, ClinGen allele CA3395865.
Genomic context (GRCh38, chr5:128,395,173, plus strand): 5'-GCCACGTACCAGAACCTCTGACAGGACAGGCTTCAGGAATGGTTCCGATGCCCCAGCAGC[G>A]GCCAGGCTCACAGCAGCACTGCATTTTCGTCATTCTCCCCGGGAGCTCTTGTGCACAGCG-3'
Protein context (NP_001990.2, residues 384-404): TKMQCCCEPG[Arg394Cys]CWGIGTIPEA